The following is an entry in ClinVar:

ClinVar aggregate classification (germline): Uncertain significance (1 of 4 stars; one submission).

Conditions:
Hereditary sensory and autonomic neuropathy type 6. Also called: Neuropathy, hereditary sensory and autonomic, type VI; HSAN VI. Identifiers: Orphanet 314381, MedGen C3539003, MONDO:0013839, OMIM 614653.
Epidermolysis bullosa simplex 3, localized or generalized intermediate, with BP230 deficiency (EBS3). Also called: Epidermolysis bullosa simplex due to BP230 deficiency; Epidermolysis bullosa simplex, autosomal recessive 2. Identifiers: Orphanet 412181, MedGen C3809470, MONDO:0014180, OMIM 615425.

Submission:

Labcorp Genetics (formerly Invitae), Labcorp
Classification: Uncertain significance for Epidermolysis bullosa simplex 3, localized or generalized intermediate, with BP230 deficiency; Hereditary sensory and autonomic neuropathy type 6. Last evaluated: 2023-10-13. Review status: criteria provided, single submitter. Criteria: Invitae Variant Classification Sherloc (09022015). Collection method: clinical testing. Allele origin: germline.
Comment: This sequence change replaces asparagine, which is neutral and polar, with tyrosine, which is neutral and polar, at codon 248 of the DST protein (p.Asn248Tyr). This variant is not present in population databases (gnomAD no frequency). This variant has not been reported in the literature in individuals affected with DST-related conditions. ClinVar contains an entry for this variant (Variation ID: 1428775). An algorithm developed to predict the effect of missense changes on protein structure and function (PolyPhen-2) suggests that this variant is likely to be disruptive. In summary, the available evidence is currently insufficient to determine the role of this variant in disease. Therefore, it has been classified as a Variant of Uncertain Significance.

NM_001374736.1(DST):c.2353A>T (p.Asn785Tyr)

Gene: DST (dystonin; minus strand). Cytogenetic location: 6p12.1.
Variant type: single nucleotide variant.
Coding change: c.2353A>T on transcript NM_001374736.1 (MANE Select); coding-DNA position 2353, A replaced by T.
Protein change: p.Asn785Tyr; replaces asparagine 785 with tyrosine.
Molecular consequence: missense variant.
Genome position (GRCh38, 1-based): chr6:56,640,280, T>A on the plus strand (A>T on the coding strand, the complement: DST is on the minus strand). VCF-style: chr6-56640280-T-A. GRCh37 (hg19) VCF-style: chr6-56505078-T-A.
Other names: c.2254A>T, p.Asn752Tyr (NM_001144769.5); c.1840A>T, p.Asn614Tyr (NM_001144770.2); c.2353A>T, p.Asn785Tyr (NM_001374722.1); c.1720A>T, p.Asn574Tyr (NM_001374729.1, NM_001374730.1, NM_001386100.1 and 1 more transcripts); c.2380A>T, p.Asn794Tyr (NM_001374734.1); c.742A>T, p.Asn248Tyr (NM_001723.7, NM_015548.5); short protein forms N614Y, N574Y, N752Y, N248Y, N785Y, N794Y.
Identifiers: ClinVar variation 1428775 (VCV001428775.6), dbSNP rs2152777363, ClinGen allele CA364578519.
Genomic context (GRCh38, chr6:56,640,280, plus strand): 5'-GCAAAGAAGACTTTAGAAGGGGTTTTCGGATCTGCATCAACTTCAAAGTTTGCAATGAAT[T>A]TGGCTCTACTCCTGAACTGAAATTTGGAACTAATCCTGATGGGAAACCAGGTGTATAAGC-3'
Protein context (NP_001361665.1, residues 775-795): VPNFSSGVEP[Asn785Tyr]SLQTLKLMQI